The following is an entry in ClinVar:

NM_152641.4(ARID2):c.4492G>A (p.Ala1498Thr)

Gene: ARID2 (AT-rich interaction domain 2; plus strand). Cytogenetic location: 12q12.
Variant type: single nucleotide variant.
Coding change: c.4492G>A on transcript NM_152641.4 (MANE Select); coding-DNA position 4492, G replaced by A.
Protein change: p.Ala1498Thr; replaces alanine 1498 with threonine.
Molecular consequence: missense variant.
Genome position (GRCh38, 1-based): chr12:45,852,615, G>A. VCF-style: chr12-45852615-G-A. GRCh37 (hg19) VCF-style: chr12-46246398-G-A.
Other names: c.4492G>A, p.Ala1498Thr (NM_001347839.2); c.4492G>A (NM_152641.3); short protein forms A1498T.
Identifiers: ClinVar variation 133570 (VCV000133570.7), dbSNP rs116531573, ClinGen allele CA156968.
Genomic context (GRCh38, chr12:45,852,615, plus strand): 5'-ATACAGGGACATCAAATCATAGCAGTTCCCGACTCAGGATCAAAAGTATCCCATTCTCCT[G>A]CCCTATCATCTGACGTTCGGTCTACAAATGGCACAGCAGAATGCAAAACTGTAAAGAGGC-3'
Protein context (NP_689854.2, residues 1488-1508): DSGSKVSHSP[Ala1498Thr]LSSDVRSTNG

ClinVar aggregate classification (germline): Benign. Review status: criteria provided, multiple submitters, no conflicts (2 of 4 stars). 4 submissions from 4 submitters: Benign (2). 2 of the submissions do not count toward it. Last evaluated 2018-12-13.

Conditions:
ARID2-related disorder. Also called: ARID2-related condition.

Allele frequency attached by ClinVar (database versions not stated): gnomAD exomes 0.00127; ExAC 0.00162; gnomAD 0.00502 and 0.00536; 1000 Genomes Project 0.00539; ESP Exome Variant Server 0.00546; 1000 Genomes Project 30x 0.00547; TOPMed 0.00558.
gnomAD v4.1: 1,477 of 1,614,160 alleles (0.092%); highest among the groups gnomAD compares: African/African-American, 1.8%; 13 homozygotes.

Submissions (4):

Labcorp Genetics (formerly Invitae), Labcorp
Classification: Benign. Last evaluated: 2018-12-13. Review status: criteria provided, single submitter. Criteria: Invitae Variant Classification Sherloc (09022015). Collection method: clinical testing. Allele origin: germline.

Breakthrough Genomics
Classification: Benign. Review status: criteria provided, single submitter. Criteria: ACMG Guidelines, 2015. Collection method: not provided. Allele origin: germline. Inheritance: Autosomal dominant inheritance. Affected: yes.

PreventionGenetics, part of Exact Sciences
Classification: Likely benign for ARID2-related condition. Last evaluated: 2020-01-06. Review status: no assertion criteria provided. Collection method: clinical testing. Allele origin: germline. Not counted in ClinVar's aggregate classification.
Comment: This variant is classified as likely benign based on ACMG/AMP sequence variant interpretation guidelines (Richards et al. 2015 PMID: 25741868, with internal and published modifications).

ITMI
No classification provided. Condition: AllHighlyPenetrant. Last evaluated: 2013-09-19. Review status: no classification provided. Collection method: reference population. Allele origin: germline. Not counted in ClinVar's aggregate classification.
Comment: Please see associated publication for description of ethnicities

Literature cited by the submitters: PubMed 24728327 (cited by ITMI).